The following is an entry in ClinVar:

ClinVar aggregate classification (germline): Uncertain significance (1 of 4 stars; one submission).

Submission:

Labcorp Genetics (formerly Invitae), Labcorp
Classification: Uncertain significance. Last evaluated: 2024-05-02. Review status: criteria provided, single submitter. Criteria: Invitae Variant Classification Sherloc (09022015). Collection method: clinical testing. Allele origin: germline.
Comment: This sequence change replaces leucine, which is neutral and non-polar, with arginine, which is basic and polar, at codon 1601 of the SNRNP200 protein (p.Leu1601Arg). This variant is not present in population databases (gnomAD no frequency). This variant has not been reported in the literature in individuals affected with SNRNP200-related conditions. Advanced modeling of protein sequence and biophysical properties (such as structural, functional, and spatial information, amino acid conservation, physicochemical variation, residue mobility, and thermodynamic stability) performed at Invitae indicates that this missense variant is expected to disrupt SNRNP200 protein function with a positive predictive value of 80%. In summary, the available evidence is currently insufficient to determine the role of this variant in disease. Therefore, it has been classified as a Variant of Uncertain Significance.

NM_014014.5(SNRNP200):c.4802T>G (p.Leu1601Arg)

Gene: SNRNP200 (small nuclear ribonucleoprotein U5 subunit 200; minus strand). Cytogenetic location: 2q11.2.
Variant type: single nucleotide variant.
Coding change: c.4802T>G on transcript NM_014014.5 (MANE Select); coding-DNA position 4802, T replaced by G.
Protein change: p.Leu1601Arg; replaces leucine 1601 with arginine.
Molecular consequence: missense variant.
Genome position (GRCh38, 1-based): chr2:96,283,314, A>C on the plus strand (T>G on the coding strand, the complement: SNRNP200 is on the minus strand). VCF-style: chr2-96283314-A-C. GRCh37 (hg19) VCF-style: chr2-96949052-A-C.
Other names: short protein forms L1601R.
Identifiers: ClinVar variation 3651892 (VCV003651892.2).